The following is an entry in ClinVar:

NM_000548.5(TSC2):c.2387T>G (p.Leu796Arg)

Gene: TSC2 (TSC complex subunit 2; plus strand). Cytogenetic location: 16p13.3.
Variant type: single nucleotide variant.
Coding change: c.2387T>G on transcript NM_000548.5 (MANE Select); coding-DNA position 2387, T replaced by G.
Protein change: p.Leu796Arg; replaces leucine 796 with arginine.
Molecular consequence: missense variant.
Genome position (GRCh38, 1-based): chr16:2,074,231, T>G. VCF-style: chr16-2074231-T-G. GRCh37 (hg19) VCF-style: chr16-2124232-T-G.
Other names: c.1043T>G, p.Leu348Arg (NM_001406696.1, NM_001406697.1, NM_001406689.1 and 6 more transcripts); c.785T>G, p.Leu262Arg (NM_001406698.1); c.2387T>G, p.Leu796Arg (NM_021055.3, NM_001077183.3, NM_001114382.3 and 6 more transcripts); c.2276T>G, p.Leu759Arg (NM_001318827.2, NM_001406670.1, NM_001406678.1); c.2240T>G, p.Leu747Arg (NM_001318829.2, NM_001406675.1, NM_001406676.1 and 1 more transcripts); c.1787T>G, p.Leu596Arg (NM_001318831.2, NM_001406680.1, NM_001406682.1 and 6 more transcripts); c.2420T>G, p.Leu807Arg (NM_001318832.2); c.2477T>G, p.Leu826Arg (NM_001406667.1, NM_001406668.1); and 3 more; short protein forms L826R, L348R, L596R, L747R, L777R, L796R, L759R, L792R.
Identifiers: ClinVar variation 2006441 (VCV002006441.6), dbSNP rs2151348106, ClinGen allele CA394277056.

ClinVar aggregate classification (germline): Conflicting classifications of pathogenicity. Review status: criteria provided, conflicting classifications (1 of 4 stars). 2 submissions from 2 submitters: Likely pathogenic (1); Uncertain significance (1). Last evaluated 2025-04-23.

Conditions:
Tuberous sclerosis 2 (TSC2). Identifiers: Orphanet 805, MedGen C1860707, MONDO:0013199, OMIM 613254.

Submissions (2):

GeneDx
Classification: Likely pathogenic. Last evaluated: 2025-04-23. Review status: criteria provided, single submitter. Criteria: GeneDx Variant Classification Process June 2021. Collection method: clinical testing. Allele origin: germline.
Comment: Not observed at significant frequency in large population cohorts (gnomAD); In silico analysis supports that this missense variant has a deleterious effect on protein structure/function; Has not been previously published as pathogenic or benign to our knowledge

Labcorp Genetics (formerly Invitae), Labcorp
Classification: Uncertain significance for Tuberous sclerosis 2. Last evaluated: 2024-09-15. Review status: criteria provided, single submitter. Criteria: Invitae Variant Classification Sherloc (09022015). Collection method: clinical testing. Allele origin: germline.
Comment: This sequence change replaces leucine, which is neutral and non-polar, with arginine, which is basic and polar, at codon 796 of the TSC2 protein (p.Leu796Arg). This variant is not present in population databases (gnomAD no frequency). This variant has not been reported in the literature in individuals affected with TSC2-related conditions. ClinVar contains an entry for this variant (Variation ID: 2006441). Invitae Evidence Modeling of protein sequence and biophysical properties (such as structural, functional, and spatial information, amino acid conservation, physicochemical variation, residue mobility, and thermodynamic stability) has been performed for this missense variant. However, the output from this modeling did not meet the statistical confidence thresholds required to predict the impact of this variant on TSC2 protein function. In summary, the available evidence is currently insufficient to determine the role of this variant in disease. Therefore, it has been classified as a Variant of Uncertain Significance.